The following is an entry in ClinVar:

NM_000091.5(COL4A3):c.1991del (p.Pro664fs)

Genes: COL4A3 (collagen type IV alpha 3 chain; plus strand), MFF-DT (MFF divergent transcript; minus strand). Cytogenetic location: 2q36.3.
Variant type: Deletion.
Coding change: c.1991del on transcript NM_000091.5 (MANE Select); coding-DNA position 1991, one base deleted (C; older notation c.1991delC).
Protein change: p.Pro664fs; shifts the reading frame from proline 664.
Molecular consequence: frameshift variant.
Genome position (GRCh38, 1-based): chr2:227,276,448, C deleted; the last of 5 consecutive C bases (chr2:227,276,444-227,276,448); deleting any one gives the same sequence. VCF-style (leftmost placement, unchanged base first): chr2-227276443-GC-G. GRCh37 (hg19) VCF-style: chr2-228141159-GC-G.
Other names: c.1991del (NM_000091.4); c.1991delC, p.Pro664Leufs (NM_000091.4); short protein forms P664fs.
Identifiers: ClinVar variation 1953440 (VCV001953440.7), dbSNP rs780314793, ClinGen allele CA2146817.

ClinVar aggregate classification (germline): Pathogenic/Likely pathogenic. Review status: criteria provided, multiple submitters, no conflicts (2 of 4 stars). 2 submissions from 2 submitters: Pathogenic (1); Likely pathogenic (1). Last evaluated 2026-09-18.

Submissions (2):

GeneDx
Classification: Likely pathogenic. Last evaluated: 2026-09-18. Review status: criteria provided, single submitter. Criteria: GeneDx Variant Classification Process June 2021. Collection method: clinical testing. Allele origin: germline.
Comment: Frameshift variant predicted to result in protein truncation or nonsense mediated decay in a gene for which loss-of-function is a known mechanism of disease; Not observed at a significant frequency in large population cohorts (gnomAD); Has not been previously published as pathogenic or benign to our knowledge

Labcorp Genetics (formerly Invitae), Labcorp
Classification: Pathogenic. Last evaluated: 2022-09-06. Review status: criteria provided, single submitter. Criteria: Invitae Variant Classification Sherloc (09022015). Collection method: clinical testing. Allele origin: germline.
Comment: For these reasons, this variant has been classified as Pathogenic. This variant has not been reported in the literature in individuals affected with COL4A3-related conditions. The frequency data for this variant in the population databases is considered unreliable, as metrics indicate poor data quality at this position in the gnomAD database. This sequence change creates a premature translational stop signal (p.Pro664Leufs*83) in the COL4A3 gene. It is expected to result in an absent or disrupted protein product. Loss-of-function variants in COL4A3 are known to be pathogenic (PMID: 8956999, 24854265, 26809805, 27281700).

Literature cited by the submitters: PubMed 8956999 (cited by Labcorp Genetics (formerly Invitae), Labcorp); PubMed 24854265 (cited by Labcorp Genetics (formerly Invitae), Labcorp); PubMed 26809805 (cited by Labcorp Genetics (formerly Invitae), Labcorp); PubMed 27281700 (cited by Labcorp Genetics (formerly Invitae), Labcorp).